The following is an entry in ClinVar:

NM_004211.5(SLC6A5):c.1756A>G (p.Ile586Val)

Gene: SLC6A5 (solute carrier family 6 member 5; plus strand). Cytogenetic location: 11p15.1.
Variant type: single nucleotide variant.
Coding change: c.1756A>G on transcript NM_004211.5 (MANE Select); coding-DNA position 1756, A replaced by G.
Protein change: p.Ile586Val; replaces isoleucine 586 with valine.
Molecular consequence: missense variant.
Genome position (GRCh38, 1-based): chr11:20,637,190, A>G. VCF-style: chr11-20637190-A-G. GRCh37 (hg19) VCF-style: chr11-20658736-A-G.
Other names: c.1054A>G, p.Ile352Val (NM_001318369.2); short protein forms I352V, I586V.
Identifiers: ClinVar variation 2043859 (VCV002043859.4), dbSNP rs2494165863, ClinGen allele CA379918105.

ClinVar aggregate classification (germline): Uncertain significance (1 of 4 stars; one submission).

Conditions:
Hyperekplexia 3 (HKPX3). Also called: HYPEREKPLEXIA 3, AUTOSOMAL RECESSIVE; HYPEREKPLEXIA 3, AUTOSOMAL DOMINANT. Identifiers: Orphanet 3197, MedGen C3553288, MONDO:0013827, OMIM 614618.

Allele frequency attached by ClinVar (database versions not stated): gnomAD exomes below 0.00001.
gnomAD v4.1: 2 of 1,614,046 alleles (0.00012%); highest among the groups gnomAD compares: Non-Finnish European, 0.00017%; no homozygotes.

Submission:

Labcorp Genetics (formerly Invitae), Labcorp
Classification: Uncertain significance for Hyperekplexia 3. Last evaluated: 2022-06-15. Review status: criteria provided, single submitter. Criteria: Invitae Variant Classification Sherloc (09022015). Collection method: clinical testing. Allele origin: germline.
Comment: This sequence change replaces isoleucine, which is neutral and non-polar, with valine, which is neutral and non-polar, at codon 586 of the SLC6A5 protein (p.Ile586Val). This variant is not present in population databases (gnomAD no frequency). This variant has not been reported in the literature in individuals affected with SLC6A5-related conditions. Advanced modeling of protein sequence and biophysical properties (such as structural, functional, and spatial information, amino acid conservation, physicochemical variation, residue mobility, and thermodynamic stability) performed at Invitae indicates that this missense variant is not expected to disrupt SLC6A5 protein function. In summary, the available evidence is currently insufficient to determine the role of this variant in disease. Therefore, it has been classified as a Variant of Uncertain Significance.